The following is an entry in ClinVar:

ClinVar aggregate classification (germline): Uncertain significance (1 of 4 stars; one submission).

Conditions:
Immunodeficiency 67. Also called: Immunodeficiency due to interleukin-1 receptor-associated kinase-4 deficiency. Identifiers: Orphanet 70592, MedGen C1843256, MONDO:0011888, OMIM 607676.

gnomAD v4.1: 5 of 1,613,516 alleles (0.00031%); highest among the groups gnomAD compares: Admixed American, 0.0017%; no homozygotes.

Submission:

Labcorp Genetics (formerly Invitae), Labcorp
Classification: Uncertain significance for Immunodeficiency 67. Last evaluated: 2025-05-25. Review status: criteria provided, single submitter. Criteria: Invitae Variant Classification Sherloc (09022015). Collection method: clinical testing. Allele origin: germline.
Comment: This sequence change replaces arginine, which is basic and polar, with cysteine, which is neutral and slightly polar, at codon 361 of the IRAK4 protein (p.Arg361Cys). This variant is present in population databases (rs762731086, gnomAD 0.003%). This variant has not been reported in the literature in individuals affected with IRAK4-related conditions. Invitae Evidence Modeling of protein sequence and biophysical properties (such as structural, functional, and spatial information, amino acid conservation, physicochemical variation, residue mobility, and thermodynamic stability) indicates that this missense variant is expected to disrupt IRAK4 protein function with a positive predictive value of 80%. In summary, the available evidence is currently insufficient to determine the role of this variant in disease. Therefore, it has been classified as a Variant of Uncertain Significance.

NM_016123.4(IRAK4):c.1081C>T (p.Arg361Cys)

Gene: IRAK4 (interleukin 1 receptor associated kinase 4; plus strand). Cytogenetic location: 12q12.
Variant type: single nucleotide variant.
Coding change: c.1081C>T on transcript NM_016123.4 (MANE Select); coding-DNA position 1081, C replaced by T.
Protein change: p.Arg361Cys; replaces arginine 361 with cysteine.
Molecular consequence: missense variant.
Genome position (GRCh38, 1-based): chr12:43,782,446, C>T. VCF-style: chr12-43782446-C-T. GRCh37 (hg19) VCF-style: chr12-44176249-C-T.
Other names: c.1081C>T, p.Arg361Cys (NM_001114182.3, NM_001351345.2); c.709C>T, p.Arg237Cys (NM_001145256.2, NM_001145257.2, NM_001145258.2 and 5 more transcripts); c.472C>T, p.Arg158Cys (NM_001351343.2, NM_001351344.2); short protein forms R158C, R237C, R361C.
Identifiers: ClinVar variation 4774969 (VCV004774969.1).